The following is an entry in ClinVar:

ClinVar aggregate classification (germline): Pathogenic (1 of 4 stars; one submission).

Submission:

GeneDx
Classification: Pathogenic. Last evaluated: 2017-04-10. Review status: criteria provided, single submitter. Criteria: GeneDx Variant Classification (06012015). Collection method: clinical testing. Allele origin: germline. Affected: yes.
Comment: The apparently de novo R1984P variant has not been published as a pathogenic variant, nor has it been reported as a benign variant to our knowledge. The R1984P variant is not observed in large population cohorts (Lek et al., 2016; 1000 Genomes Consortium et al., 2015; Exome Variant Server). The R1984P variant is a non-conservative amino acid substitution, which is likely to impact secondary protein structure as these residues differ in polarity, charge, size and/or other properties. This substitution occurs in the SET domain at a position that is conserved across species and in silico analysis predicts this variant is probably damaging to the protein structure/function. Additionally, different missense variants at the same codon (R1984G and R1984Q) have been reported in Human Gene Mutation Database in association with Sotos syndrome (de et al., 2004; Rio et al., 2003; Stenson et al., 2014), supporting the functional importance of this region of the protein. Therefore, we interpret R1984P as a pathogenic variant.

NM_022455.5(NSD1):c.5951G>C (p.Arg1984Pro)

Gene: NSD1 (nuclear receptor binding SET domain protein 1; plus strand). Cytogenetic location: 5q35.3.
Variant type: single nucleotide variant.
Coding change: c.5951G>C on transcript NM_022455.5 (MANE Select); coding-DNA position 5951, G replaced by C.
Protein change: p.Arg1984Pro; replaces arginine 1984 with proline.
Molecular consequence: missense variant.
Genome position (GRCh38, 1-based): chr5:177,282,523, G>C. VCF-style: chr5-177282523-G-C. GRCh37 (hg19) VCF-style: chr5-176709524-G-C.
Other names: c.5078G>C, p.Arg1693Pro (NM_001365684.2, NM_001409308.1, NM_001409309.1 and 1 more transcripts); c.5951G>C, p.Arg1984Pro (NM_001409301.1, NM_001409302.1, NM_001409303.1); c.5531G>C, p.Arg1844Pro (NM_001409304.1); c.5198G>C, p.Arg1733Pro (NM_001409305.1); c.5189G>C, p.Arg1730Pro (NM_001409306.1, NM_001409307.1); short protein forms R1984P, R1715P, R1693P, R1730P, R1844P, R1733P.
Identifiers: ClinVar variation 426653 (VCV000426653.2), dbSNP rs587784169, ClinGen allele CA362315879.